The following is an entry in ClinVar:

NM_024334.3(TMEM43):c.1129CTC[1] (p.Leu378del)

Gene: TMEM43 (transmembrane protein 43; plus strand). Cytogenetic location: 3p25.1.
Variant type: Microsatellite.
Coding change: c.1129CTC[1] on transcript NM_024334.3 (MANE Select); one copy of the 3-base unit CTC starting at c.1129; the reference has two copies in a row; one copy, 3 bases deleted.
Protein change: p.Leu378del; deletes leucine 378.
Molecular consequence: inframe indel (on NM_024334.2).
Genome position (GRCh38, 1-based): chr3:14,141,724-14,141,726, CTC deleted; deleting any 3 consecutive bases within chr3:14,141,720-14,141,726 gives the same sequence; the position shown is the placement nearest the transcript's 3' end. VCF-style (leftmost placement, unchanged base first): chr3-14141719-CCCT-C. GRCh37 (hg19) VCF-style: chr3-14183219-CCCT-C.
Other names: c.1132_1134delCTC (NM_024334.2); c.1132CTC[1], p.Leu379del (NM_001407274.1); c.1126CTC[1], p.Leu377del (NM_001407275.1, NM_001407276.1); c.1123CTC[1], p.Leu376del (NM_001407277.1); c.1114CTC[1], p.Leu373del (NM_001407278.1); c.1054CTC[1], p.Leu353del (NM_001407279.1); c.979CTC[1], p.Leu328del (NM_001407280.1); c.1129_1131CTC[1], p.Leu378del (NM_024334.2); short protein forms L328del, L376del, L377del, L379del, L353del, L378del, L373del.
Identifiers: ClinVar variation 4768859 (VCV004768859.2).

ClinVar aggregate classification (germline): Uncertain significance. Review status: criteria provided, multiple submitters, no conflicts (2 of 4 stars). 2 submissions from 2 submitters: Uncertain significance (2). Last evaluated 2025-12-15.

Conditions:
Arrhythmogenic right ventricular dysplasia 5. Also called: Arrhythmogenic Right Ventricular Dysplasia/Cardiomyopathy 5; ARRHYTHMOGENIC RIGHT VENTRICULAR DYSPLASIA, FAMILIAL, 5. Identifiers: MedGen C1858379, MONDO:0011459, OMIM 604400.
TMEM43-related disorder. Also called: TMEM43-related condition.

Submissions (2):

Labcorp Genetics (formerly Invitae), Labcorp
Classification: Uncertain significance for Arrhythmogenic right ventricular dysplasia 5. Last evaluated: 2025-12-15. Review status: criteria provided, single submitter. Criteria: Invitae Variant Classification Sherloc (09022015). Collection method: clinical testing. Allele origin: germline.
Comment: This variant, c.1132_1134del, results in the deletion of 1 amino acid(s) of the TMEM43 protein (p.Leu378del), but otherwise preserves the integrity of the reading frame. This variant is not present in population databases (gnomAD no frequency). This variant has not been reported in the literature in individuals affected with TMEM43-related conditions. Experimental studies and prediction algorithms are not available or were not evaluated, and the functional significance of this variant is currently unknown. In summary, the available evidence is currently insufficient to determine the role of this variant in disease. Therefore, it has been classified as a Variant of Uncertain Significance.

PreventionGenetics, part of Exact Sciences
Classification: Uncertain significance for TMEM43-related condition. Last evaluated: 2024-10-28. Review status: criteria provided, single submitter. Criteria: ACMG Guidelines, 2015. Collection method: clinical testing. Allele origin: germline.
Comment: The TMEM43 c.1132_1134delCTC variant is predicted to result in an in-frame deletion (p.Leu378del). To our knowledge, this variant has not been reported in the literature or in a large population database (gnomAD), indicating this variant is rare. At this time, the clinical significance of this variant is uncertain due to the absence of conclusive functional and genetic evidence.